The following is an entry in ClinVar:

ClinVar aggregate classification (germline): Uncertain significance (1 of 4 stars; one submission).

Conditions:
Fanconi anemia complementation group J. Also called: BRIP1-Related Fanconi Anemia. Identifiers: Orphanet 84, MedGen C1836860, MONDO:0012187, OMIM 609054.
Familial cancer of breast. Also called: BREAST CANCER, FAMILIAL; Hereditary breast cancer; hereditary breast carcinoma. Identifiers: Orphanet 227535, MedGen C0346153, MONDO:0016419, OMIM 114480. Disease mechanism: loss of function.

Submission:

Labcorp Genetics (formerly Invitae), Labcorp
Classification: Uncertain significance for Familial cancer of breast; Fanconi anemia complementation group J. Last evaluated: 2023-10-16. Review status: criteria provided, single submitter. Criteria: Invitae Variant Classification Sherloc (09022015). Collection method: clinical testing. Allele origin: germline.
Comment: This sequence change replaces glutamine, which is neutral and polar, with leucine, which is neutral and non-polar, at codon 102 of the BRIP1 protein (p.Gln102Leu). This variant is not present in population databases (gnomAD no frequency). This variant has not been reported in the literature in individuals affected with BRIP1-related conditions. Advanced modeling of protein sequence and biophysical properties (such as structural, functional, and spatial information, amino acid conservation, physicochemical variation, residue mobility, and thermodynamic stability) performed at Invitae indicates that this missense variant is not expected to disrupt BRIP1 protein function. In summary, the available evidence is currently insufficient to determine the role of this variant in disease. Therefore, it has been classified as a Variant of Uncertain Significance.

NM_032043.3(BRIP1):c.305A>T (p.Gln102Leu)

Gene: BRIP1 (BRCA1 interacting DNA helicase 1; minus strand). Cytogenetic location: 17q23.2.
Variant type: single nucleotide variant.
Coding change: c.305A>T on transcript NM_032043.3 (MANE Select); coding-DNA position 305, A replaced by T.
Protein change: p.Gln102Leu; replaces glutamine 102 with leucine.
Molecular consequence: missense variant.
Genome position (GRCh38, 1-based): chr17:61,857,132, T>A on the plus strand (A>T on the coding strand, the complement: BRIP1 is on the minus strand). VCF-style: chr17-61857132-T-A. GRCh37 (hg19) VCF-style: chr17-59934493-T-A.
Other names: short protein forms Q102L.
Identifiers: ClinVar variation 2944822 (VCV002944822.3), dbSNP rs1484234707, ClinGen allele CA400485405.